The following is an entry in ClinVar:

ClinVar aggregate classification (germline): Likely pathogenic (1 of 4 stars; one submission).

Submission:

Mayo Clinic Laboratories, Mayo Clinic
Classification: Likely pathogenic. Last evaluated: 2025-07-24. Review status: criteria provided, single submitter. Criteria: ACMG Guidelines, 2015. Collection method: clinical testing. Allele origin: germline. Observed: 1 variant allele.
Comment: PM2_supporting, PVS1

NM_000342.4(SLC4A1):c.169-6_195del

Gene: SLC4A1 (solute carrier family 4 member 1 (Diego blood group); minus strand). Cytogenetic location: 17q21.31.
Variant type: Deletion.
Coding change: c.169-6_195del on transcript NM_000342.4 (MANE Select); 6 bases into the intron before coding-DNA position 169 through coding-DNA position 195, 33 bases deleted.
Molecular consequence: splice acceptor variant.
Genome position (GRCh38, 1-based): chr17:44,260,789-44,260,821, 33 bases deleted; deleting any 33 consecutive bases within chr17:44,260,789-44,260,822 gives the same sequence; the c. name uses the placement nearest the transcript's 3' end. GRCh37 (hg19): chr17:42,338,158-42,338,190.
Other names: p.?.
Identifiers: ClinVar variation 4542179 (VCV004542179.1).